The following is an entry in ClinVar:

NM_000081.4(LYST):c.9786T>A (p.Asp3262Glu)

Gene: LYST (lysosomal trafficking regulator; minus strand). Cytogenetic location: 1q42.3.
Variant type: single nucleotide variant.
Coding change: c.9786T>A on transcript NM_000081.4 (MANE Select); coding-DNA position 9786, T replaced by A.
Protein change: p.Asp3262Glu; replaces aspartic acid 3262 with glutamic acid.
Molecular consequence: missense variant.
Genome position (GRCh38, 1-based): chr1:235,712,196, A>T on the plus strand (T>A on the coding strand, the complement: LYST is on the minus strand). VCF-style: chr1-235712196-A-T. GRCh37 (hg19) VCF-style: chr1-235875496-A-T.
Other names: c.9786T>A, p.Asp3262Glu (NM_001301365.1); short protein forms D3262E.
Identifiers: ClinVar variation 4767671 (VCV004767671.1).

ClinVar aggregate classification (germline): Uncertain significance (1 of 4 stars; one submission).

Conditions:
Chédiak-Higashi syndrome (CHS). Also called: Chediak-Higashi Syndrome. Identifiers: Orphanet 167, MedGen C0007965, MONDO:0008963, OMIM 214500.

Submission:

Labcorp Genetics (formerly Invitae), Labcorp
Classification: Uncertain significance for Chédiak-Higashi syndrome. Last evaluated: 2026-01-12. Review status: criteria provided, single submitter. Criteria: Invitae Variant Classification Sherloc (09022015). Collection method: clinical testing. Allele origin: germline.
Comment: This sequence change replaces aspartic acid, which is acidic and polar, with glutamic acid, which is acidic and polar, at codon 3262 of the LYST protein (p.Asp3262Glu). The frequency data for this variant in the population databases is considered unreliable, as metrics indicate poor data quality at this position in the gnomAD database. This variant has not been reported in the literature in individuals affected with LYST-related conditions. An algorithm developed to predict the effect of missense changes on protein structure and function (PolyPhen-2) suggests that this variant is likely to be disruptive. In summary, the available evidence is currently insufficient to determine the role of this variant in disease. Therefore, it has been classified as a Variant of Uncertain Significance.